The following is an entry in ClinVar:

ClinVar aggregate classification (germline): Likely benign. Review status: criteria provided, multiple submitters, no conflicts (2 of 4 stars). 2 submissions from 2 submitters: Likely benign (2). Last evaluated 2025-11-13.

Allele frequency attached by ClinVar (database versions not stated): ExAC 0.00002.
gnomAD v4.1: 6 of 1,600,820 alleles (0.00037%); highest among the groups gnomAD compares: African/African-American, 0.0013%; no homozygotes.

Submissions (2):

Labcorp Genetics (formerly Invitae), Labcorp
Classification: Likely benign. Last evaluated: 2025-11-13. Review status: criteria provided, single submitter. Criteria: Invitae Variant Classification Sherloc (09022015). Collection method: clinical testing. Allele origin: germline.

CeGaT Center for Human Genetics Tuebingen
Classification: Likely benign. Last evaluated: 2023-11-01. Review status: criteria provided, single submitter. Criteria: CeGaT Center For Human Genetics Tuebingen Variant Classification Criteria Version 2. Collection method: clinical testing. Allele origin: germline. Affected: yes. Observed: 1 variant allele.
Comment: ATP5F1E: BP4, BP7

NM_006886.4(ATP5F1E):c.9C>T (p.Ala3=)

Genes: ATP5F1E (ATP synthase F1 subunit epsilon; minus strand), SLMO2-ATP5E (SLMO2-ATP5E readthrough; minus strand), LOC130066277 (ATAC-STARR-seq lymphoblastoid active region 18187; plus strand). Cytogenetic location: 20q13.32.
Variant type: single nucleotide variant.
Coding change: c.9C>T on transcript NM_006886.4 (MANE Select); coding-DNA position 9, C replaced by T.
Protein change: p.Ala3=; no amino-acid change (alanine 3 retained).
Molecular consequence: synonymous variant.
Genome position (GRCh38, 1-based): chr20:59,032,243, G>A on the plus strand (C>T on the coding strand, the complement: ATP5F1E is on the minus strand). VCF-style: chr20-59032243-G-A. GRCh37 (hg19) VCF-style: chr20-57607298-G-A.
Other names: c.9C>T, p.Ala3= (NM_001001977.1).
Identifiers: ClinVar variation 2672883 (VCV002672883.24), dbSNP rs6026648, ClinGen allele CA9928778.